The following is an entry in ClinVar:

NM_001605.3(AARS1):c.417C>T (p.Gly139=)

Gene: AARS1 (alanyl-tRNA synthetase 1; minus strand). Cytogenetic location: 16q22.1.
Variant type: single nucleotide variant.
Coding change: c.417C>T on transcript NM_001605.3 (MANE Select); coding-DNA position 417, C replaced by T.
Protein change: p.Gly139=; no amino-acid change (glycine 139 retained).
Molecular consequence: synonymous variant.
Genome position (GRCh38, 1-based): chr16:70,276,548, G>A on the plus strand (C>T on the coding strand, the complement: AARS1 is on the minus strand). VCF-style: chr16-70276548-G-A. GRCh37 (hg19) VCF-style: chr16-70310451-G-A.
Identifiers: ClinVar variation 1682311 (VCV001682311.31), dbSNP rs758260278, ClinGen allele CA8141141.
Genomic context (GRCh38, chr16:70,276,548, plus strand): 5'-CAAATTTTGCCAGATCTGTTTGCATTCCAGATCTGCTTCTAAGCCAGCTGCTTCATCCCC[G>A]CCAAAGTAAGTAACATAAAGTCTTTCAATGGGAATGCCAAACTCTTGGGTGAGGAGTTCC-3'
Protein context (NP_001596.2, residues 129-149): PIERLYVTYF[Gly139=]GDEAAGLEAD

ClinVar aggregate classification (germline): Likely benign. Review status: criteria provided, multiple submitters, no conflicts (2 of 4 stars). 3 submissions from 3 submitters: Likely benign (3). Last evaluated 2024-04-27.

Conditions:
Charcot-Marie-Tooth disease type 2. Also called: Charcot-Marie-Tooth type 2. Identifiers: Orphanet 64746, MedGen C0270914, MONDO:0018993.

Allele frequency attached by ClinVar (database versions not stated): gnomAD 0.00001 and 0.00002; gnomAD exomes 0.00002 and 0.00005; ExAC 0.00003; TOPMed 0.00005.
gnomAD v4.1: 41 of 1,613,878 alleles (0.0025%); highest among the groups gnomAD compares: Middle Eastern, 0.033%; no homozygotes.

Submissions (3):

Labcorp Genetics (formerly Invitae), Labcorp
Classification: Likely benign for Charcot-Marie-Tooth disease type 2. Last evaluated: 2024-04-27. Review status: criteria provided, single submitter. Criteria: Invitae Variant Classification Sherloc (09022015). Collection method: clinical testing. Allele origin: germline.

CeGaT Center for Human Genetics Tuebingen
Classification: Likely benign. Last evaluated: 2022-08-01. Review status: criteria provided, single submitter. Criteria: CeGaT Center For Human Genetics Tuebingen Variant Classification Criteria Version 2. Collection method: clinical testing. Allele origin: germline. Affected: yes. Observed: 1 variant allele.
Comment: AARS1: BP4, BP7

Blueprint Genetics
Classification: Likely benign. Last evaluated: 2021-11-23. Review status: criteria provided, single submitter. Criteria: ACMG Guidelines, 2015. Collection method: clinical testing. Allele origin: germline.